The following is an entry in ClinVar:

ClinVar aggregate classification (germline): Uncertain significance (1 of 4 stars; one submission).

Conditions:
Inborn genetic diseases. Identifiers: MedGen C0950123, MeSH D030342.

Submission:

Ambry Genetics
Classification: Uncertain significance for Inborn genetic diseases. Last evaluated: 2026-04-22. Review status: criteria provided, single submitter. Criteria: Ambry Variant Classification Scheme 2023. Collection method: clinical testing. Allele origin: germline.
Comment: The p.E392A variant (also known as c.1175A>C), located in coding exon 9 of the DNMT3A gene, results from an A to C substitution at nucleotide position 1175. The glutamic acid at codon 392 is replaced by alanine, an amino acid with dissimilar properties. This amino acid position is conserved. In addition, this alteration is predicted to be tolerated by in silico analysis. Based on the available evidence, the clinical significance of this variant remains unclear.

NM_022552.5(DNMT3A):c.1175A>C (p.Glu392Ala)

Gene: DNMT3A (DNA methyltransferase 3 alpha; minus strand). Cytogenetic location: 2p23.3.
Variant type: single nucleotide variant.
Coding change: c.1175A>C on transcript NM_022552.5 (MANE Select); coding-DNA position 1175, A replaced by C.
Protein change: p.Glu392Ala; replaces glutamic acid 392 with alanine.
Molecular consequence: missense variant. On other transcripts: non-coding transcript variant (1).
Genome position (GRCh38, 1-based): chr2:25,246,724, T>G on the plus strand (A>C on the coding strand, the complement: DNMT3A is on the minus strand). VCF-style: chr2-25246724-T-G. GRCh37 (hg19) VCF-style: chr2-25469593-T-G.
Other names: c.719A>C, p.Glu240Ala (NM_001320893.1); c.506A>C, p.Glu169Ala (NM_001375819.1); c.608A>C, p.Glu203Ala (NM_153759.3); c.1175A>C, p.Glu392Ala (NM_175629.2); short protein forms E169A, E203A, E240A, E392A.
Identifiers: ClinVar variation 4870012 (VCV004870012.1).